The following is an entry in ClinVar:

NM_004706.4(ARHGEF1):c.2425A>C (p.Ser809Arg)

Gene: ARHGEF1 (Rho guanine nucleotide exchange factor 1; plus strand). Cytogenetic location: 19q13.2.
Variant type: single nucleotide variant.
Coding change: c.2425A>C on transcript NM_004706.4 (MANE Select); coding-DNA position 2425, A replaced by C.
Protein change: p.Ser809Arg; replaces serine 809 with arginine.
Molecular consequence: missense variant. On other transcripts: non-coding transcript variant (2).
Genome position (GRCh38, 1-based): chr19:41,905,959, A>C. VCF-style: chr19-41905959-A-C. GRCh37 (hg19) VCF-style: chr19-42410111-A-C.
Other names: c.2593A>C, p.Ser865Arg (NM_001396000.1); c.2326A>C, p.Ser776Arg (NM_001396002.1, NM_001396004.1, NM_198977.2); c.2425A>C, p.Ser809Arg (NM_001396003.1, NM_001396006.1); c.2470A>C, p.Ser824Arg (NM_199002.2); short protein forms S824R, S776R, S809R, S865R.
Identifiers: ClinVar variation 2988984 (VCV002988984.3), dbSNP rs1033582931, ClinGen allele CA308593711.

ClinVar aggregate classification (germline): Uncertain significance (1 of 4 stars; one submission).

Allele frequency attached by ClinVar (database versions not stated): gnomAD exomes below 0.00001; gnomAD 0.00001; TOPMed 0.00001.

Submission:

Labcorp Genetics (formerly Invitae), Labcorp
Classification: Uncertain significance. Last evaluated: 2023-04-03. Review status: criteria provided, single submitter. Criteria: Invitae Variant Classification Sherloc (09022015). Collection method: clinical testing. Allele origin: germline.
Comment: This variant has not been reported in the literature in individuals affected with ARHGEF1-related conditions. An algorithm developed to predict the effect of missense changes on protein structure and function (PolyPhen-2) suggests that this variant is likely to be tolerated. In summary, the available evidence is currently insufficient to determine the role of this variant in disease. Therefore, it has been classified as a Variant of Uncertain Significance. This variant is not present in population databases (gnomAD no frequency). This sequence change replaces serine, which is neutral and polar, with arginine, which is basic and polar, at codon 824 of the ARHGEF1 protein (p.Ser824Arg).